The following is an entry in ClinVar:

NM_001009944.3(PKD1):c.4795dup (p.Tyr1599fs)

Gene: PKD1 (polycystin 1, transient receptor potential channel interacting; minus strand). Cytogenetic location: 16p13.3.
Variant type: Duplication.
Coding change: c.4795dup on transcript NM_001009944.3 (MANE Select); coding-DNA position 4795, one base duplicated (T; older notation c.4795dupT).
Protein change: p.Tyr1599fs; shifts the reading frame from tyrosine 1599.
Molecular consequence: frameshift variant.
Genome position (GRCh38, 1-based): chr16:2,110,372, A duplicated on the plus strand (T on the coding strand, the reverse complement: PKD1 is on the minus strand); the first of 2 consecutive A bases (chr16:2,110,372-2,110,373); duplicating either gives the same sequence. VCF-style (leftmost placement, unchanged base first): chr16-2110371-T-TA. GRCh37 (hg19) VCF-style: chr16-2160372-T-TA.
Other names: c.4795dup (NM_001009944.2); c.4795dupT (NM_001009944.2, NM_000296.3); c.4795dup, p.Tyr1599fs (NM_000296.4); short protein forms Y1599fs.
Identifiers: ClinVar variation 1806118 (VCV001806118.7), dbSNP rs2544818419, ClinGen allele CA1139532847.
Genomic context (GRCh38, chr16:2,110,371, plus strand): 5'-GAGCCCACCTCGTTCTCAGCCGTGACGATGATATTGAAGGTGCCCACGGAGCGGAAGGTG[T>TA]AAGAGATGGTAGGACCCCCAGGGATGGGCGTGCAGCGGTCACAGAGCACCCAGGAATAGC-3'

ClinVar aggregate classification (germline): Pathogenic/Likely pathogenic. Review status: criteria provided, multiple submitters, no conflicts (2 of 4 stars). 4 submissions from 4 submitters: Pathogenic (3); Likely pathogenic (1). Last evaluated 2026-02-10.

Conditions:
Autosomal dominant polycystic kidney disease. Identifiers: Orphanet 730, MedGen C0085413, MONDO:0004691.
Inborn genetic diseases. Identifiers: MedGen C0950123, MeSH D030342.
Polycystic kidney disease, adult type (PKD1). Also called: Polycystic Kidney, Autosomal Dominant; POLYCYSTIC KIDNEY DISEASE, ADULT, TYPE I; Polycystic Kidney Disease 1, Autosomal Dominant; Polycystic kidney disease 1; Polycystic kidney disease 1, severe; POLYCYSTIC KIDNEY DISEASE 1 WITH OR WITHOUT POLYCYSTIC LIVER DISEASE. Identifiers: MedGen C3149841, MONDO:0008263, OMIM 173900.

Submissions (4):

GeneDx
Classification: Likely pathogenic. Last evaluated: 2026-02-10. Review status: criteria provided, single submitter. Criteria: GeneDx Variant Classification Process June 2021. Collection method: clinical testing. Allele origin: germline.
Comment: Frameshift variant predicted to result in protein truncation or nonsense mediated decay in a gene for which loss-of-function is a known mechanism of disease; Has not been previously published as pathogenic or benign to our knowledge

Victorian Clinical Genetics Services, Murdoch Childrens Research Institute
Classification: Pathogenic for Polycystic kidney disease, adult type. Last evaluated: 2025-10-30. Review status: criteria provided, single submitter. Criteria: ACMG Guidelines, 2015. Collection method: clinical testing. Allele origin: germline. Affected: yes.
Comment: This variant is classified as Pathogenic. Evidence in support of pathogenic classification: Variant is predicted to cause nonsense-mediated decay (NMD) and loss of protein (premature termination codon is located at least 54 nucleotides upstream of the final exon-exon junction); Variant is absent from gnomAD (v2, v3 and v4); This variant has limited previous evidence of pathogenicity in unrelated individual(s). This variant has been classified as pathogenic by clinical laboratories in ClinVar; Other NMD-predicted variants comparable to the one identified in this case have very strong previous evidence for pathogenicity. Many other loss of function variants have previously been reported as pathogenic in individuals with polycystic kidney disease 1 (MIM#173900) (ClinVar). Additional information: This variant is heterozygous; This gene is associated with autosomal dominant disease. Polycystic kidney disease 1 (MIM#173900) is predominantly caused by monoallelic variants, with rare reports of biallelic variants causing disease (OMIM); Loss of function is a known mechanism of disease in this gene and is associated with polycystic kidney disease 1 (MIM#173900); Inheritance information for this variant is not currently available in this individual.

Ambry Genetics
Classification: Pathogenic for Inborn genetic diseases. Last evaluated: 2021-12-29. Review status: criteria provided, single submitter. Criteria: Ambry Variant Classification Scheme 2023. Collection method: clinical testing. Allele origin: germline.
Comment: The c.4795dupT (p.Y1599Lfs*16) alteration, located in exon 15 (coding exon 15) of the PKD1 gene, consists of a duplication of T at position 4795, causing a translational frameshift with a predicted alternate stop codon after 16 amino acids. This alteration is expected to result in loss of function by premature protein truncation or nonsense-mediated mRNA decay. This variant was not reported in population-based cohorts in the Genome Aggregation Database (gnomAD). Based on the available evidence, this alteration is classified as pathogenic.

Department of Pathology and Laboratory Medicine, Sinai Health System
Classification: Pathogenic for autosomal dominant polycystic kidney disease. Last evaluated: 2017-09-08. Review status: criteria provided, single submitter. Criteria: ACMG Guidelines, 2015. Collection method: clinical testing. Allele origin: germline.